The following is an entry in ClinVar:

ClinVar aggregate classification (germline): Conflicting classifications of pathogenicity. Review status: criteria provided, conflicting classifications (1 of 4 stars). 10 submissions from 9 submitters: Uncertain significance (8); Benign (1). 1 of the submissions does not count toward it. Last evaluated 2026-10-15.

Conditions:
TTC21B-related disorder. Also called: TTC21B-related disorders; TTC21B-related condition.
Asphyxiating thoracic dystrophy 4 (SRTD4). Also called: SHORT-RIB THORACIC DYSPLASIA 4 WITH OR WITHOUT POLYDACTYLY; SHORT-RIB THORACIC DYSPLASIA 4. Identifiers: Orphanet 474, MedGen C3151185, MONDO:0013441, OMIM 613819.
Nephronophthisis 12 (NPHP12). Identifiers: Orphanet 655, MedGen C3151186, MONDO:0013442, OMIM 613820.
Nephronophthisis. Also called: Juvenile Nephronophthisis. Identifiers: Orphanet 655, MedGen C0687120, MONDO:0019005, HP:0000090.
Jeune thoracic dystrophy. Also called: Short-rib thoracic dysplasia; Jeune syndrome; Infantile thoracic dystrophy; Thoracic pelvic phalangeal dystrophy; Jeune's syndrome; Chondroectodermal dysplasia-like syndrome. Identifiers: Orphanet 474, MedGen C0265275, MONDO:0018770.

Allele frequency attached by ClinVar (database versions not stated): gnomAD 0.00036; TOPMed 0.00038; gnomAD exomes 0.00043; ExAC 0.00045; ESP Exome Variant Server 0.00062.
gnomAD v4.1: 462 of 1,613,930 alleles (0.029%); highest among the groups gnomAD compares: Middle Eastern, 0.16%; no homozygotes.

Submissions (10):

GeneDx
Classification: Uncertain significance. Last evaluated: 2026-10-15. Review status: criteria provided, single submitter. Criteria: GeneDx Variant Classification Process June 2021. Collection method: clinical testing. Allele origin: germline.
Comment: Functional studies suggest this variant results in a non-functional protein, however, the clinical relevance of this is unclear (PMID: 21258341); In silico analysis supports that this missense variant has a deleterious effect on protein structure/function; Has not been previously published as pathogenic or benign to our knowledge; This variant is associated with the following publications: (PMID: 21258341)

Labcorp Genetics (formerly Invitae), Labcorp
Classification: Benign for Jeune thoracic dystrophy; Nephronophthisis. Last evaluated: 2026-01-13. Review status: criteria provided, single submitter. Criteria: Invitae Variant Classification Sherloc (09022015). Collection method: clinical testing. Allele origin: germline.

Mayo Clinic Laboratories, Mayo Clinic
Classification: Uncertain significance. Last evaluated: 2025-12-06. Review status: criteria provided, single submitter. Criteria: ACMG Guidelines, 2015. Collection method: clinical testing. Allele origin: germline. Observed: 1 variant allele.
Comment: BP4

Blueprint Genetics
Classification: Uncertain significance. Last evaluated: 2024-11-13. Review status: criteria provided, single submitter. Criteria: ACMG Guidelines, 2015. Collection method: clinical testing. Allele origin: germline.

CeGaT Center for Human Genetics Tuebingen
Classification: Uncertain significance. Last evaluated: 2022-11-01. Review status: criteria provided, single submitter. Criteria: CeGaT Center For Human Genetics Tuebingen Variant Classification Criteria Version 2. Collection method: clinical testing. Allele origin: germline. Affected: yes. Observed: 1 variant allele.
Comment: TTC21B: PM2, BP4

Illumina Laboratory Services, Illumina
Classification: Uncertain significance for Asphyxiating thoracic dystrophy 4. Last evaluated: 2018-01-12. Review status: criteria provided, single submitter. Criteria: ICSL Variant Classification Criteria 13 December 2019. Collection method: clinical testing. Allele origin: germline.

Illumina Laboratory Services, Illumina
Classification: Uncertain significance for Nephronophthisis 12. Last evaluated: 2018-01-12. Review status: criteria provided, single submitter. Criteria: ICSL Variant Classification Criteria 13 December 2019. Collection method: clinical testing. Allele origin: germline.

ARUP Laboratories, Molecular Genetics and Genomics, ARUP Laboratories
Classification: Uncertain significance. Last evaluated: 2017-11-08. Review status: criteria provided, single submitter. Criteria: ARUP Molecular Germline Variant Investigation Process. Collection method: clinical testing. Allele origin: germline.

Breakthrough Genomics
Classification: Uncertain significance. Review status: criteria provided, single submitter. Criteria: ACMG Guidelines, 2015. Collection method: not provided. Allele origin: germline. Inheritance: Autosomal recessive inheritance. Affected: yes.

PreventionGenetics, part of Exact Sciences
Classification: Likely benign for TTC21B-related condition. Last evaluated: 2022-12-14. Review status: no assertion criteria provided. Collection method: clinical testing. Allele origin: germline. Not counted in ClinVar's aggregate classification.
Comment: This variant is classified as likely benign based on ACMG/AMP sequence variant interpretation guidelines (Richards et al. 2015 PMID: 25741868, with internal and published modifications).

NM_024753.5(TTC21B):c.2815C>T (p.Arg939Trp)

Gene: TTC21B (tetratricopeptide repeat domain 21B; minus strand). Cytogenetic location: 2q24.3.
Variant type: single nucleotide variant.
Coding change: c.2815C>T on transcript NM_024753.5 (MANE Select); coding-DNA position 2815, C replaced by T.
Protein change: p.Arg939Trp; replaces arginine 939 with tryptophan.
Molecular consequence: missense variant.
Genome position (GRCh38, 1-based): chr2:165,899,823, G>A on the plus strand (C>T on the coding strand, the complement: TTC21B is on the minus strand). VCF-style: chr2-165899823-G-A. GRCh37 (hg19) VCF-style: chr2-166756333-G-A.
Other names: short protein forms R939W.
Identifiers: ClinVar variation 331824 (VCV000331824.47), dbSNP rs151227843, ClinGen allele CA1941692.